The following is an entry in ClinVar:

NM_000256.3(MYBPC3):c.588G>C (p.Trp196Cys)

Gene: MYBPC3 (myosin binding protein C3; minus strand). Cytogenetic location: 11p11.2.
Variant type: single nucleotide variant.
Coding change: c.588G>C on transcript NM_000256.3 (MANE Select); coding-DNA position 588, G replaced by C.
Protein change: p.Trp196Cys; replaces tryptophan 196 with cysteine.
Molecular consequence: missense variant.
Genome position (GRCh38, 1-based): chr11:47,349,840, C>G on the plus strand (G>C on the coding strand, the complement: MYBPC3 is on the minus strand). VCF-style: chr11-47349840-C-G. GRCh37 (hg19) VCF-style: chr11-47371391-C-G.
Other names: short protein forms W196C.
Identifiers: ClinVar variation 164146 (VCV000164146.15), dbSNP rs727503215, ClinGen allele CA015520.

ClinVar aggregate classification (germline): Uncertain significance. Review status: criteria provided, multiple submitters, no conflicts (2 of 4 stars). 2 submissions from 2 submitters: Uncertain significance (2). Last evaluated 2022-07-25.

Conditions:
Hypertrophic cardiomyopathy. Also called: HYPERTROPHIC MYOCARDIOPATHY. Identifiers: Orphanet 217569, MedGen C0007194, MeSH D002312, MONDO:0005045, HP:0001639.

Submissions (2):

Labcorp Genetics (formerly Invitae), Labcorp
Classification: Uncertain significance for Hypertrophic cardiomyopathy. Last evaluated: 2022-07-25. Review status: criteria provided, single submitter. Criteria: Invitae Variant Classification Sherloc (09022015). Collection method: clinical testing. Allele origin: germline.
Comment: This sequence change replaces tryptophan, which is neutral and slightly polar, with cysteine, which is neutral and slightly polar, at codon 196 of the MYBPC3 protein (p.Trp196Cys). This variant is not present in population databases (gnomAD no frequency). This variant has not been reported in the literature in individuals affected with MYBPC3-related conditions. ClinVar contains an entry for this variant (Variation ID: 164146). Algorithms developed to predict the effect of missense changes on protein structure and function (SIFT, PolyPhen-2, Align-GVGD) all suggest that this variant is likely to be disruptive. In summary, the available evidence is currently insufficient to determine the role of this variant in disease. Therefore, it has been classified as a Variant of Uncertain Significance.

Laboratory for Molecular Medicine, Mass General Brigham Personalized Medicine
Classification: Uncertain significance. Last evaluated: 2020-02-27. Review status: criteria provided, single submitter. Criteria: LMM Criteria. Collection method: clinical testing. Allele origin: germline. Observed: 1 variant allele.
Comment: proposed classification - variant undergoing re-assessment, contact laboratory